The following is an entry in ClinVar:

ClinVar aggregate classification (germline): Likely pathogenic. Review status: reviewed by expert panel (3 of 4 stars). 17 submissions from 16 submitters: Likely pathogenic (1). 16 of the submissions do not count toward it. Last evaluated 2025-11-14.

Conditions:
Cardiovascular phenotype. Identifiers: MedGen CN230736.
Left ventricular noncompaction 10 (LVNC10). Identifiers: Orphanet 154, Orphanet 54260, MedGen C3715165, MONDO:0014163, OMIM 615396.
Cardiomyopathy (CMYO). Also called: Cardiomyopathies. Identifiers: Orphanet 167848, MedGen C0878544, MONDO:0004994, HP:0001638. Inheritance: Various modes of inheritance.
Hypertrophic cardiomyopathy 1 (CMH1). Also called: Familial hypertrophic cardiomyopathy 1; MYH7-Related Familial Hypertrophic Cardiomyopathy. Identifiers: MedGen C3495498, MONDO:0008647, OMIM 192600.
Hypertrophic cardiomyopathy 4. Also called: Familial hypertrophic cardiomyopathy 4. Identifiers: MedGen C1861862, MONDO:0007268, OMIM 115197.
Hypertrophic cardiomyopathy. Also called: HYPERTROPHIC MYOCARDIOPATHY. Identifiers: Orphanet 217569, MedGen C0007194, MeSH D002312, MONDO:0005045, HP:0001639.

Allele frequency attached by ClinVar (database versions not stated): TOPMed 0.00001.
gnomAD v4.1: 18 of 1,613,880 alleles (0.0011%); highest among the groups gnomAD compares: Non-Finnish European, 0.0015%; no homozygotes.

Submissions 1 to 7 of 17:

ClinGen Cardiomyopathy Variant Curation Expert Panel
Classification: Likely pathogenic for Hypertrophic cardiomyopathy. Last evaluated: 2025-11-14. Review status: reviewed by expert panel. Criteria: ClinGen CMP ACMG Specifications MYBPC3 V1.0.0. Collection method: curation. Allele origin: germline. Inheritance: Autosomal dominant inheritance.
Comment: NM_000256.3(MYBPC3):c.1483C>G (p.Arg495Gly) - This variant has been reported in individuals with HCM (ClinVar Variation ID: 42537) and has also been identified in 1 out of 112990 (0.004% FAF 95% CI) of European chromosomes in gnomAD (v.2.1). This variant is statistically increased in individuals with HCM compared to controls (OR lower 95% CI>10), therefore, the PS4 criterion has been applied at moderate strength (PS4_Moderate) and the PM2_Supporting criterion has been applied (PM2_Supporting). This variant segregated with disease in more than 7 affected relatives with HCM from at least 4 families [PP1_Strong: Teirlinck 2012 PMID: 23140321, Page 2012 PMID: 22267749, Oxford Medical Genetics Laboratory (OMGP; pers. comm.), Laboratory for Molecular Medicine (LMM; pers. comm.)]. Computational prediction tools and conservation analyses do not provide strong support for or against an impact to the protein (REVEL score <0.7). This variant lies in a region of the protein where variants are statistically more likely to be disease-associated (PM1_Strength; Walsh 2019 PMID: 30696458). In summary, this variant meets criteria to be classified as likely pathogenic for hypertrophic cardiomyopathy in an autosomal dominant manner based on PS4_Moderate, PM2_Supporting, PP1_Strong, PM1.

Victorian Clinical Genetics Services, Murdoch Childrens Research Institute
Classification: Pathogenic for Hypertrophic cardiomyopathy 4. Last evaluated: 2026-03-27. Review status: criteria provided, single submitter. Criteria: ACMG Guidelines, 2015. Collection method: clinical testing. Allele origin: germline. Affected: yes. Not counted in ClinVar's aggregate classification.
Comment: This variant is classified as Pathogenic. Evidence in support of pathogenic classification: Variant is present in gnomAD <0.001 for a dominant condition (v4: 18 heterozygote(s), 0 homozygote(s)); This variant has strong previous evidence of pathogenicity in unrelated individuals. This variant has been classified as pathogenic and likely pathogenic by multiple clinical laboratories, including a VCEP expert panel (ClinVar). This variant has been reported in multiple individuals with either childhood or adult-onset hypertrophic cardiomyopathy (PMIDs: 19659763, 18403758, 20624503, 25740977, 28615295, 28640247); Missense variant consistently predicted to be damaging by multiple in silico tools or highly conserved with a major amino acid change. Additional information: Variant is predicted to result in a missense amino acid change from arginine to glycine; This variant is heterozygous; This gene is associated with both recessive and dominant disease. Dominant inheritance is frequently reported in adult onset conditions and recessive inheritance results in a more severe early onset phenotype (OMIM). Association to recessive disease is currently rated as limited by ClinGen; Alternative amino acid change(s) at the same position are present in gnomAD (highest allele count: v4: 39 heterozygote(s), 0 homozygote(s)); Variant is located in the annotated C3 Ig-like domain (PMID: 19659763); Loss of function is a known mechanism of disease in this gene and is associated with hypertrophic cardiomyopathy 4 (HCM; MIM#115197); Variants in this gene are known to have variable expressivity (PMID: 32841044); Inheritance information for this variant is not currently available in this individual.

Labcorp Genetics (formerly Invitae), Labcorp
Classification: Pathogenic for Hypertrophic cardiomyopathy. Last evaluated: 2025-12-21. Review status: criteria provided, single submitter. Criteria: Invitae Variant Classification Sherloc (09022015). Collection method: clinical testing. Allele origin: germline. Not counted in ClinVar's aggregate classification.
Comment: This sequence change replaces arginine, which is basic and polar, with glycine, which is neutral and non-polar, at codon 495 of the MYBPC3 protein (p.Arg495Gly). This variant is present in population databases (rs397515905, gnomAD 0.0009%). This missense change has been observed in individuals with hypertrophic cardiomyopathy (PMID: 18403758, 19659763, 20624503, 22574137). ClinVar contains an entry for this variant (Variation ID: 42537). An algorithm developed to predict the effect of missense changes on protein structure and function (PolyPhen-2) suggests that this variant is likely to be disruptive. This variant disrupts the p.Arg495 amino acid residue in MYBPC3. Other variant(s) that disrupt this residue have been determined to be pathogenic (PMID: 9562578, 19150014, 20433692, 22765922, 23396983, 26671970). This suggests that this residue is clinically significant, and that variants that disrupt this residue are likely to be disease-causing. For these reasons, this variant has been classified as Pathogenic.

Institute of Human Genetics, University of Leipzig Medical Center
Classification: Likely pathogenic for Hypertrophic cardiomyopathy 4. Last evaluated: 2025-11-25. Review status: criteria provided, single submitter. Criteria: ACMG Guidelines, 2015. Collection method: clinical testing. Allele origin: unknown. Inheritance: Autosomal dominant inheritance. Affected: yes. Not counted in ClinVar's aggregate classification.
Comment: Criteria applied: PS4,PM5,PM2_SUP

North West Genomic Laboratory Hub, Manchester University NHS Foundation Trust
Classification: Likely pathogenic for Hypertrophic cardiomyopathy. Last evaluated: 2025-03-05. Review status: criteria provided, single submitter. Criteria: ACGS Best Practice Guidelines for Variant Classification in Rare Disease 2020. Collection method: clinical testing. Allele origin: germline. Affected: yes. Not counted in ClinVar's aggregate classification.
Comment: PM1_Mod PS4_Str

Women's Health and Genetics/Laboratory Corporation of America, LabCorp
Classification: Pathogenic for Cardiomyopathy. Last evaluated: 2025-02-24. Review status: criteria provided, single submitter. Criteria: LabCorp Variant Classification Summary - May 2015. Collection method: clinical testing. Allele origin: germline. Not counted in ClinVar's aggregate classification.
Comment: Variant summary: MYBPC3 c.1483C>G (p.Arg495Gly) results in a non-conservative amino acid change in the encoded protein sequence. Three of four in-silico tools predict a damaging effect of the variant on protein function. The variant allele was found at a frequency of 4e-06 in 249206 control chromosomes. c.1483C>G has been reported in the literature in multiple individuals affected with Cardiomyopathy (e.g. Morita_2008, Frisso_2009, Millat_2010, Lopes_2013). These data indicate that the variant is very likely to be associated with disease. A different variant affecting the same codon has been classified as pathogenic by our lab (c.1484G>A, p.Arg495Gln), supporting the critical relevance of codon 495 to MYBPC3 protein function. The following publications have been ascertained in the context of this evaluation (PMID: 19659763, 23396983, 20624503, 18403758). ClinVar contains an entry for this variant (Variation ID: 42537). Based on the evidence outlined above, the variant was classified as pathogenic.

Ambry Genetics
Classification: Pathogenic for Cardiovascular phenotype. Last evaluated: 2024-11-07. Review status: criteria provided, single submitter. Criteria: Ambry Variant Classification Scheme 2023. Collection method: clinical testing. Allele origin: germline. Not counted in ClinVar's aggregate classification.
Comment: The p.R495G pathogenic mutation (also known as c.1483C>G), located in coding exon 17 of the MYBPC3 gene, results from a C to G substitution at nucleotide position 1483. The arginine at codon 495 is replaced by glycine, an amino acid with dissimilar properties. This alteration has been detected in multiple individuals with features consistent with hypertrophic cardiomyopathy (HCM) (Morita HN et al. Engl J Med. 2008;358(18):1899-908; Millat G et al. Eur J Med Genet. 2010;53:261-7; Teirlinck CH et al. BMC Med Genet. 2012;13:105; Calore C et al. J Med Genet. 2015;52:338-47; Lopes LR et al. Heart. 2015;101(4):294-301; Walsh R et al. Genet. Med., 2017 Feb;19:192-203; Ross SB et al. Circ Cardiovasc Genet, 2017 Jun;10). This alteration has also been detected in individuals described as having HCM with non-compaction or dilated-phase HCM (Frisso G et al. Clin Genet. 2009;76(1):91-101; Page SP et al. Circ Cardiovasc Genet. 2012;5(2):156-66). Two other variants at the same codon, p.R495Q (c.1484G>A) and p.R495W (c.1483C>T), have also been reported in association with HCM (Garc&iacute;a-Castro M et al. Rev Esp Cardiol. 2009 Jan;62(1):48-56; Helms AS. Circ Cardiovasc Genet. 2014 Aug;7(4):434-43). This amino acid position is highly conserved in available vertebrate species. In addition, this alteration is predicted to be deleterious by in silico analysis. This variant is considered to be rare based on population cohorts in the Genome Aggregation Database (gnomAD). Based on the supporting evidence, this variant is interpreted as a disease-causing mutation.

NM_000256.3(MYBPC3):c.1483C>G (p.Arg495Gly)

Gene: MYBPC3 (myosin binding protein C3; minus strand). Cytogenetic location: 11p11.2.
Variant type: single nucleotide variant.
Coding change: c.1483C>G on transcript NM_000256.3 (MANE Select); coding-DNA position 1483, C replaced by G.
Protein change: p.Arg495Gly; replaces arginine 495 with glycine.
Molecular consequence: missense variant.
Genome position (GRCh38, 1-based): chr11:47,342,719, G>C on the plus strand (C>G on the coding strand, the complement: MYBPC3 is on the minus strand). VCF-style: chr11-47342719-G-C. GRCh37 (hg19) VCF-style: chr11-47364270-G-C.
Other names: p.R495G:CGG>GGG; short protein forms R495G.
Identifiers: ClinVar variation 42537 (VCV000042537.40), dbSNP rs397515905, ClinGen allele CA010449.